The following is an entry in ClinVar:

NM_003482.4(KMT2D):c.7078C>G (p.Pro2360Ala)

Gene: KMT2D (lysine methyltransferase 2D; minus strand). Cytogenetic location: 12q13.12.
Variant type: single nucleotide variant.
Coding change: c.7078C>G on transcript NM_003482.4 (MANE Select); coding-DNA position 7078, C replaced by G.
Protein change: p.Pro2360Ala; replaces proline 2360 with alanine.
Molecular consequence: missense variant.
Genome position (GRCh38, 1-based): chr12:49,040,692, G>C on the plus strand (C>G on the coding strand, the complement: KMT2D is on the minus strand). VCF-style: chr12-49040692-G-C. GRCh37 (hg19) VCF-style: chr12-49434475-G-C.
Other names: c.7078C>G (NM_003482.3); short protein forms P2360A.
Identifiers: ClinVar variation 597753 (VCV000597753.15), dbSNP rs376483324, ClinGen allele CA6547124.

ClinVar aggregate classification (germline): Conflicting classifications of pathogenicity. Review status: criteria provided, conflicting classifications (1 of 4 stars). 4 submissions from 4 submitters: Uncertain significance (1); Likely benign (2). 1 of the submissions does not count toward it. Last evaluated 2026-01-28.

Conditions:
KMT2D-related disorder. Also called: KMT2D-Related Disorders.
Kabuki syndrome. Also called: Kabuki make-up syndrome; NIIKAWA-KUROKI SYNDROME. Identifiers: Orphanet 2322, MedGen C0796004, MONDO:0016512.

Allele frequency attached by ClinVar (database versions not stated): gnomAD exomes 0.00006; ExAC 0.00007; ESP Exome Variant Server 0.00025; gnomAD 0.00038 and 0.00040; TOPMed 0.00042.
gnomAD v4.1: 92 of 1,613,698 alleles (0.0057%); highest among the groups gnomAD compares: African/African-American, 0.12%; no homozygotes.

Submissions (4):

Labcorp Genetics (formerly Invitae), Labcorp
Classification: Likely benign for Kabuki syndrome. Last evaluated: 2026-01-28. Review status: criteria provided, single submitter. Criteria: Invitae Variant Classification Sherloc (09022015). Collection method: clinical testing. Allele origin: germline.

Blueprint Genetics
Classification: Likely benign. Last evaluated: 2022-07-11. Review status: criteria provided, single submitter. Criteria: ACMG Guidelines, 2015. Collection method: clinical testing. Allele origin: germline.

Eurofins Ntd Llc (ga)
Classification: Uncertain significance. Last evaluated: 2018-07-05. Review status: criteria provided, single submitter. Criteria: EGL ClinVar v180209 classification definitions. Collection method: clinical testing. Allele origin: germline. Observed: 2 variant alleles, 2 heterozygotes.

PreventionGenetics, part of Exact Sciences
Classification: Likely benign for KMT2D-related condition. Last evaluated: 2024-01-16. Review status: no assertion criteria provided. Collection method: clinical testing. Allele origin: germline. Not counted in ClinVar's aggregate classification.
Comment: This variant is classified as likely benign based on ACMG/AMP sequence variant interpretation guidelines (Richards et al. 2015 PMID: 25741868, with internal and published modifications).